The following is an entry in ClinVar:

NM_033004.4(NLRP1):c.4172C>A (p.Ala1391Asp)

Gene: NLRP1 (NLR family pyrin domain containing 1; minus strand). Cytogenetic location: 17p13.2.
Variant type: single nucleotide variant.
Coding change: c.4172C>A on transcript NM_033004.4 (MANE Select); coding-DNA position 4172, C replaced by A.
Protein change: p.Ala1391Asp; replaces alanine 1391 with aspartic acid.
Molecular consequence: missense variant. On other transcripts: intron variant (1).
Genome position (GRCh38, 1-based): chr17:5,515,004, G>T on the plus strand (C>A on the coding strand, the complement: NLRP1 is on the minus strand). VCF-style: chr17-5515004-G-T. GRCh37 (hg19) VCF-style: chr17-5418324-G-T.
Other names: c.4040C>A, p.Ala1347Asp (NM_014922.5); c.4082C>A, p.Ala1361Asp (NM_033006.4); c.3950C>A, p.Ala1317Asp (NM_033007.4); c.4069+2742C>A (NM_001033053.3); short protein forms A1361D, A1347D, A1317D, A1391D.
Identifiers: ClinVar variation 1391181 (VCV001391181.8), dbSNP rs539985574, ClinGen allele CA397387278.
Genomic context (GRCh38, chr17:5,515,004, plus strand): 5'-TCCTGGCTCAGCACCTGTCCATGCAGTTTGTCCAAGACAACCTCCACCGATGTCACTCGG[G>T]CTATCAGCTGCTCTCGATACTGGTCCACAAAGTGCAGCAACTGCGGGGCATCCAGAGGTG-3'
Protein context (NP_127497.1, residues 1381-1401): FVDQYREQLI[Ala1391Asp]RVTSVEVVLD

ClinVar aggregate classification (germline): Uncertain significance (1 of 4 stars; one submission).

Submission:

Labcorp Genetics (formerly Invitae), Labcorp
Classification: Uncertain significance. Last evaluated: 2021-04-27. Review status: criteria provided, single submitter. Criteria: Invitae Variant Classification Sherloc (09022015). Collection method: clinical testing. Allele origin: germline.
Comment: In summary, the available evidence is currently insufficient to determine the role of this variant in disease. Therefore, it has been classified as a Variant of Uncertain Significance. Algorithms developed to predict the effect of missense changes on protein structure and function are either unavailable or do not agree on the potential impact of this missense change (SIFT: "Deleterious"; PolyPhen-2: "Probably Damaging"; Align-GVGD: "Class C0"). This variant has not been reported in the literature in individuals with NLRP1-related conditions. This variant is not present in population databases (ExAC no frequency). This sequence change replaces alanine with aspartic acid at codon 1391 of the NLRP1 protein (p.Ala1391Asp). The alanine residue is moderately conserved and there is a moderate physicochemical difference between alanine and aspartic acid.